The following is an entry in ClinVar:

NM_005458.8(GABBR2):c.2229+4C>T

Gene: GABBR2 (gamma-aminobutyric acid type B receptor subunit 2; minus strand). Cytogenetic location: 9q22.33.
Variant type: single nucleotide variant.
Coding change: c.2229+4C>T on transcript NM_005458.8 (MANE Select); 4 bases into the intron after coding-DNA position 2229, C replaced by T.
Molecular consequence: intron variant.
Genome position (GRCh38, 1-based): chr9:98,306,117, G>A on the plus strand (C>T on the coding strand, the complement: GABBR2 is on the minus strand). VCF-style: chr9-98306117-G-A. GRCh37 (hg19) VCF-style: chr9-101068399-G-A.
Identifiers: ClinVar variation 3678427 (VCV003678427.2).
Genomic context (GRCh38, chr9:98,306,117, plus strand): 5'-GCCAGCAATGCCCCTGTGCTGGAGTCAGAGGGCAGAGGCCAGGTGGTGGGGCCAGCGCCT[G>A]TACCTTCGGCACGAATACCAGGCAGAGGGTGATGGTGCTGCAGAAGATGATGACCAGAGC-3'

ClinVar aggregate classification (germline): Uncertain significance (1 of 4 stars; one submission).

Conditions:
Epileptic encephalopathy. Identifiers: MedGen C0543888, HP:0200134.

Submission:

Labcorp Genetics (formerly Invitae), Labcorp
Classification: Uncertain significance for Epileptic encephalopathy. Last evaluated: 2025-07-27. Review status: criteria provided, single submitter. Criteria: Invitae Variant Classification Sherloc (09022015). Collection method: clinical testing. Allele origin: germline.
Comment: This sequence change falls in intron 15 of the GABBR2 gene. It does not directly change the encoded amino acid sequence of the GABBR2 protein. It affects a nucleotide within the consensus splice site. This variant is not present in population databases (gnomAD no frequency). This variant has not been reported in the literature in individuals affected with GABBR2-related conditions. ClinVar contains an entry for this variant (Variation ID: 3678427). Variants that disrupt the consensus splice site are a relatively common cause of aberrant splicing (PMID: 17576681, 9536098). Algorithms developed to predict the effect of sequence changes on RNA splicing suggest that this variant is not likely to affect RNA splicing. In summary, the available evidence is currently insufficient to determine the role of this variant in disease. Therefore, it has been classified as a Variant of Uncertain Significance.

Literature cited by the submitters: PubMed 17576681; PubMed 9536098.